The following is an entry in ClinVar:

ClinVar aggregate classification (germline): Pathogenic/Likely pathogenic. Review status: criteria provided, multiple submitters, no conflicts (2 of 4 stars). 3 submissions from 3 submitters: Pathogenic (2); Likely pathogenic (1). Last evaluated 2024-10-14.

Conditions:
Hydrocephalus, nonsyndromic, autosomal recessive 1 (HYC1). Also called: Hydrocephalus, nonsyndromic, autosomal recessive; Congenital hydrocephalus 1. Identifiers: Orphanet 2185, MedGen C3887608, MONDO:0009360, OMIM 236600.
Spinocerebellar ataxia type 40. Identifiers: Orphanet 423275, MedGen C4518336, MONDO:0014475, OMIM 616053.

Submissions (3):

Women's Health and Genetics/Laboratory Corporation of America, LabCorp
Classification: Pathogenic for Hydrocephalus, nonsyndromic, autosomal recessive 1. Last evaluated: 2024-10-14. Review status: criteria provided, single submitter. Criteria: LabCorp Variant Classification Summary - May 2015. Collection method: clinical testing. Allele origin: germline.
Comment: Variant summary: CCDC88C c.5273_5276delCTGA (p.Thr1758ArgfsX43) results in a premature termination codon, predicted to cause a truncation of the encoded protein or absence of the protein. The variant allele was found at a frequency of 1.3e-05 in 226062 control chromosomes (gnomAD). To our knowledge, no occurrence of c.5273_5276delCTGA in individuals affected with Congenital hydrocephalus 1 and no experimental evidence demonstrating its impact on protein function have been reported. A variant downstream of this position (p.Glu1949Glyfs*26) has been classified as pathogenic in ClinVar (Variation ID: 39862 and PMID: 23042809). ClinVar contains an entry for this variant (Variation ID: 2993938). Based on the evidence outlined above, the variant was classified as pathogenic.

Fulgent Genetics
Classification: Likely pathogenic for Hydrocephalus, nonsyndromic, autosomal recessive 1; Spinocerebellar ataxia type 40. Last evaluated: 2024-03-07. Review status: criteria provided, single submitter. Criteria: ACMG Guidelines, 2015. Collection method: clinical testing. Allele origin: germline.

Labcorp Genetics (formerly Invitae), Labcorp
Classification: Pathogenic. Last evaluated: 2023-09-08. Review status: criteria provided, single submitter. Criteria: Invitae Variant Classification Sherloc (09022015). Collection method: clinical testing. Allele origin: germline.
Comment: For these reasons, this variant has been classified as Pathogenic. This variant disrupts a region of the CCDC88C protein in which other variant(s) (p.Glu1949Glyfs*26) have been determined to be pathogenic (PMID: 23042809). This suggests that this is a clinically significant region of the protein, and that variants that disrupt it are likely to be disease-causing. This variant has not been reported in the literature in individuals affected with CCDC88C-related conditions. This variant is present in population databases (no rsID available, gnomAD 0.01%). This sequence change creates a premature translational stop signal (p.Thr1758Argfs*43) in the CCDC88C gene. While this is not anticipated to result in nonsense mediated decay, it is expected to disrupt the last 271 amino acid(s) of the CCDC88C protein.

Literature cited by the submitters: PubMed 23042809 (cited by Labcorp Genetics (formerly Invitae), Labcorp).

NM_001080414.4(CCDC88C):c.5273_5276del (p.Thr1758fs)

Gene: CCDC88C (coiled-coil and HOOK domain protein 88C; minus strand). Cytogenetic location: 14q32.11.
Variant type: Microsatellite.
Coding change: c.5273_5276del on transcript NM_001080414.4 (MANE Select); coding-DNA positions 5273 to 5276, 4 bases deleted (CTGA; older notation c.5273_5276delCTGA).
Protein change: p.Thr1758fs; shifts the reading frame from threonine 1758.
Molecular consequence: frameshift variant.
Genome position (GRCh38, 1-based): chr14:91,273,436-91,273,439, TCAG deleted on the plus strand (CTGA on the coding strand, the reverse complement: CCDC88C is on the minus strand); deleting any 4 consecutive bases within chr14:91,273,436-91,273,445 gives the same sequence; the c. name uses the placement nearest the transcript's 3' end. VCF-style (leftmost placement, unchanged base first): chr14-91273435-CTCAG-C. GRCh37 (hg19) VCF-style: chr14-91739779-CTCAG-C.
Other names: c.5273_5276delCTGA (NM_001080414.4); short protein forms T1758fs.
Identifiers: ClinVar variation 2993938 (VCV002993938.5), dbSNP rs1378659602, ClinGen allele CA487829257.